The following is an entry in ClinVar:

ClinVar aggregate classification (germline): Uncertain significance (1 of 4 stars; one submission).

Conditions:
Familial adenomatous polyposis 1 (FAP1). Also called: FAMILIAL ADENOMATOUS POLYPOSIS 1, ATTENUATED; POLYPOSIS, ADENOMATOUS INTESTINAL. Identifiers: MedGen C2713442, MONDO:0021056, OMIM 175100. Disease mechanism: loss of function.

Submission:

Labcorp Genetics (formerly Invitae), Labcorp
Classification: Uncertain significance for Familial adenomatous polyposis 1. Last evaluated: 2025-12-30. Review status: criteria provided, single submitter. Criteria: Invitae Variant Classification Sherloc (09022015). Collection method: clinical testing. Allele origin: germline.
Comment: This sequence change replaces glycine, which is neutral and non-polar, with valine, which is neutral and non-polar, at codon 2006 of the APC protein (p.Gly2006Val). This variant is not present in population databases (gnomAD no frequency). This variant has not been reported in the literature in individuals affected with APC-related conditions. ClinVar contains an entry for this variant (Variation ID: 1372142). Invitae Evidence Modeling of protein sequence and biophysical properties (such as structural, functional, and spatial information, amino acid conservation, physicochemical variation, residue mobility, and thermodynamic stability) indicates that this missense variant is not expected to disrupt APC protein function with a negative predictive value of 95%. In summary, the available evidence is currently insufficient to determine the role of this variant in disease. Therefore, it has been classified as a Variant of Uncertain Significance.

NM_000038.6(APC):c.6017G>T (p.Gly2006Val)

Gene: APC (APC regulator of Wnt signaling pathway; plus strand). Cytogenetic location: 5q22.2.
Variant type: single nucleotide variant.
Coding change: c.6017G>T on transcript NM_000038.6 (MANE Select); coding-DNA position 6017, G replaced by T.
Protein change: p.Gly2006Val; replaces glycine 2006 with valine.
Molecular consequence: missense variant.
Genome position (GRCh38, 1-based): chr5:112,841,611, G>T. VCF-style: chr5-112841611-G-T. GRCh37 (hg19) VCF-style: chr5-112177308-G-T.
Other names: c.6017G>T, p.Gly2006Val (NM_001127510.3, NM_001354895.2); c.5963G>T, p.Gly1988Val (NM_001127511.3); c.6071G>T, p.Gly2024Val (NM_001354896.2); c.6047G>T, p.Gly2016Val (NM_001354897.2); c.5942G>T, p.Gly1981Val (NM_001354898.2); c.5933G>T, p.Gly1978Val (NM_001354899.2); c.5894G>T, p.Gly1965Val (NM_001354900.2); c.5840G>T, p.Gly1947Val (NM_001354901.2); and 5 more; short protein forms G1723V, G1915V, G2016V, G2024V, G1846V, G1981V, G1988V, G1905V.
Identifiers: ClinVar variation 1372142 (VCV001372142.6), dbSNP rs1561604551, ClinGen allele CA16034501.
Genomic context (GRCh38, chr5:112,841,611, plus strand): 5'-CTATCAAAGAGACTGAGCCCCCTGACTCACAGGGAGAACCAAGTAAACCTCAAGCATCAG[G>T]CTATGCTCCTAAATCATTTCATGTTGAAGATACCCCAGTTTGTTTCTCAAGAAACAGTTC-3'
Protein context (NP_000029.2, residues 1996-2016): QGEPSKPQAS[Gly2006Val]YAPKSFHVED